The following is an entry in ClinVar:

ClinVar aggregate classification (germline): Uncertain significance (1 of 4 stars; one submission).

Conditions:
Lethal multiple pterygium syndrome (LMPS). Identifiers: Orphanet 33108, MedGen C1854678, MONDO:0009668, OMIM 253290.

gnomAD v4.1: 10 of 1,614,194 alleles (0.00062%); highest among the groups gnomAD compares: Non-Finnish European, 0.00076%; no homozygotes.

Submission:

Labcorp Genetics (formerly Invitae), Labcorp
Classification: Uncertain significance for Lethal multiple pterygium syndrome. Last evaluated: 2024-02-01. Review status: criteria provided, single submitter. Criteria: Invitae Variant Classification Sherloc (09022015). Collection method: clinical testing. Allele origin: germline.
Comment: This sequence change replaces proline, which is neutral and non-polar, with serine, which is neutral and polar, at codon 152 of the CHRND protein (p.Pro152Ser). This variant is not present in population databases (gnomAD no frequency). This variant has not been reported in the literature in individuals affected with CHRND-related conditions. Advanced modeling of protein sequence and biophysical properties (such as structural, functional, and spatial information, amino acid conservation, physicochemical variation, residue mobility, and thermodynamic stability) performed at Invitae indicates that this missense variant is not expected to disrupt CHRND protein function with a negative predictive value of 80%. In summary, the available evidence is currently insufficient to determine the role of this variant in disease. Therefore, it has been classified as a Variant of Uncertain Significance.

NM_000751.3(CHRND):c.454C>T (p.Pro152Ser)

Gene: CHRND (cholinergic receptor nicotinic delta subunit; plus strand). Cytogenetic location: 2q37.1.
Variant type: single nucleotide variant.
Coding change: c.454C>T on transcript NM_000751.3 (MANE Select); coding-DNA position 454, C replaced by T.
Protein change: p.Pro152Ser; replaces proline 152 with serine.
Molecular consequence: missense variant. On other transcripts: synonymous variant (1).
Genome position (GRCh38, 1-based): chr2:232,528,601, C>T. VCF-style: chr2-232528601-C-T. GRCh37 (hg19) VCF-style: chr2-233393311-C-T.
Other names: c.409C>T, p.Pro137Ser (NM_001256657.2); c.183C>T, p.Ala61= (NM_001311195.2); c.151C>T, p.Pro51Ser (NM_001311196.2); short protein forms P137S, P152S, P51S.
Identifiers: ClinVar variation 3608597 (VCV003608597.2).